The following is an entry in ClinVar:

ClinVar aggregate classification (germline): Benign (1 of 4 stars; one submission).

Conditions:
MELAS syndrome (MELAS). Also called: Juvenile myopathy, encephalopathy, lactic acidosis, stroke. Identifiers: Orphanet 550, MedGen C0162671, MONDO:0010789, OMIM 540000.

Submission:

Wong Mito Lab, Molecular and Human Genetics, Baylor College of Medicine
Classification: Benign for MELAS syndrome. Last evaluated: 2019-07-12. Review status: criteria provided, single submitter. Criteria: Modified ACMG Guidelines (Unpublished). Collection method: clinical testing. Allele origin: germline.
Comment: The NC_012920.1:m.15951A>G variant in MT-TT gene is interpreted to be a Benign variant based on the modified ACMG guidelines (unpublished). This variant meets the following evidence codes reported in the guidelines: BS1, BS2, BP4

Literature cited by the submitters: PubMed 31965079.

NC_012920.1(MT-TT):m.15951A>G

Gene: MT-TT (mitochondrially encoded tRNA threonine; plus strand).
Variant type: single nucleotide variant.
Genome position: chrM-15951-A-G.
Identifiers: ClinVar variation 690259 (VCV000690259.1), dbSNP rs199993959, ClinGen allele CA337100611.